The following is an entry in ClinVar:

NM_000218.3(KCNQ1):c.642C>A (p.Cys214Ter)

Gene: KCNQ1 (potassium voltage-gated channel subfamily Q member 1; plus strand). Cytogenetic location: 11p15.5.
Variant type: single nucleotide variant.
Coding change: c.642C>A on transcript NM_000218.3 (MANE Select); coding-DNA position 642, C replaced by A.
Protein change: p.Cys214Ter; replaces cysteine 214 with a stop codon.
Molecular consequence: nonsense.
Genome position (GRCh38, 1-based): chr11:2,571,362, C>A. VCF-style: chr11-2571362-C-A. GRCh37 (hg19) VCF-style: chr11-2592592-C-A.
Other names: c.642C>A, p.Cys214Ter (NM_001406836.1); c.372C>A, p.Cys124Ter (NM_001406837.1); c.261C>A, p.Cys87Ter (NM_181798.2); short protein forms C214*, C87*, C124*.
Identifiers: ClinVar variation 200818 (VCV000200818.15), dbSNP rs775479779, ClinGen allele CA007812.

ClinVar aggregate classification (germline): Pathogenic/Likely pathogenic. Review status: criteria provided, multiple submitters, no conflicts (2 of 4 stars). 2 submissions from 2 submitters: Pathogenic (1); Likely pathogenic (1). Last evaluated 2025-07-08.

Conditions:
Long QT syndrome (LQTS). Identifiers: MedGen C0023976, MeSH D008133, MONDO:0002442. Disease mechanism: loss of function. Inheritance: Various modes of inheritance.

gnomAD v4.1: 1 of 1,613,092 alleles (0.000062%); highest among the groups gnomAD compares: Non-Finnish European, 0.000085%; no homozygotes.

Submissions (2):

Labcorp Genetics (formerly Invitae), Labcorp
Classification: Pathogenic for Long QT syndrome. Last evaluated: 2025-07-08. Review status: criteria provided, single submitter. Criteria: Invitae Variant Classification Sherloc (09022015). Collection method: clinical testing. Allele origin: germline.
Comment: This sequence change creates a premature translational stop signal (p.Cys214*) in the KCNQ1 gene. It is expected to result in an absent or disrupted protein product. Loss-of-function variants in KCNQ1 are known to be pathogenic (PMID: 9323054, 19862833). This variant is not present in population databases (gnomAD no frequency). This variant has not been reported in the literature in individuals affected with KCNQ1-related conditions. ClinVar contains an entry for this variant (Variation ID: 200818). For these reasons, this variant has been classified as Pathogenic.

ARUP Laboratories, Molecular Genetics and Genomics, ARUP Laboratories
Classification: Likely pathogenic. Last evaluated: 2017-03-17. Review status: criteria provided, single submitter. Criteria: ARUP Molecular Germline Variant Investigation Process. Collection method: clinical testing. Allele origin: germline.

Literature cited by the submitters: PubMed 9323054 (cited by Labcorp Genetics (formerly Invitae), Labcorp); PubMed 19862833 (cited by Labcorp Genetics (formerly Invitae), Labcorp).